The following is an entry in ClinVar:

ClinVar aggregate classification (germline): Uncertain significance (1 of 4 stars; one submission).

Conditions:
Episodic ataxia type 1 (EA1). Also called: PAROXYSMAL ATAXIA WITH NEUROMYOTONIA, HEREDITARY; Episodic ataxia/myokymia syndrome; ATAXIA, EPISODIC, WITH MYOKYMIA; MYOKYMIA WITH PERIODIC ATAXIA. Identifiers: Orphanet 37612, Orphanet 972, MedGen C1719788, MONDO:0008047, OMIM 160120.

Submission:

Labcorp Genetics (formerly Invitae), Labcorp
Classification: Uncertain significance for Episodic ataxia type 1. Last evaluated: 2023-08-16. Review status: criteria provided, single submitter. Criteria: Invitae Variant Classification Sherloc (09022015). Collection method: clinical testing. Allele origin: germline.
Comment: In summary, the available evidence is currently insufficient to determine the role of this variant in disease. Therefore, it has been classified as a Variant of Uncertain Significance. An algorithm developed to predict the effect of missense changes on protein structure and function (PolyPhen-2) suggests that this variant is likely to be disruptive. This variant has not been reported in the literature in individuals affected with KCNA1-related conditions. This variant is not present in population databases (gnomAD no frequency). This sequence change replaces threonine, which is neutral and polar, with lysine, which is basic and polar, at codon 2 of the KCNA1 protein (p.Thr2Lys).

NM_000217.3(KCNA1):c.5C>A (p.Thr2Lys)

Genes: KCNA1 (potassium voltage-gated channel subfamily A member 1; plus strand), LOC130007218 (ATAC-STARR-seq lymphoblastoid silent region 4155; plus strand). Cytogenetic location: 12p13.32.
Variant type: single nucleotide variant.
Coding change: c.5C>A on transcript NM_000217.3 (MANE Select); coding-DNA position 5, C replaced by A.
Protein change: p.Thr2Lys; replaces threonine 2 with lysine.
Molecular consequence: missense variant.
Genome position (GRCh38, 1-based): chr12:4,911,383, C>A. VCF-style: chr12-4911383-C-A. GRCh37 (hg19) VCF-style: chr12-5020549-C-A.
Other names: short protein forms T2K.
Identifiers: ClinVar variation 2783112 (VCV002783112.3), dbSNP rs762038042, ClinGen allele CA383453594.